The following is an entry in ClinVar:

NM_000117.3(EMD):c.684GCT[2] (p.Leu231del)

Gene: EMD (emerin; plus strand). Cytogenetic location: Xq28.
Variant type: Microsatellite.
Coding change: c.684GCT[2] on transcript NM_000117.3 (MANE Select); two copies in a row of the 3-base unit GCT starting at c.684; the reference has three copies in a row; one copy, 3 bases deleted.
Protein change: p.Leu231del; deletes leucine 231.
Molecular consequence: inframe deletion.
Genome position (GRCh38, 1-based): chrX:154,381,122-154,381,124, GCT deleted; deleting any 3 consecutive bases within chrX:154,381,116-154,381,124 gives the same sequence; the position shown is the placement nearest the transcript's 3' end. VCF-style (leftmost placement, unchanged base first): chrX-154381115-AGCT-A. GRCh37 (hg19) VCF-style: chrX-153609475-AGCT-A.
Other names: short protein forms L231del.
Identifiers: ClinVar variation 955263 (VCV000955263.10), dbSNP rs2067886222, ClinGen allele CA2466664476.
Genomic context (GRCh38, chrX:154,381,115, plus strand): 5'-CTGAAAACCGTGCTCCTGGGGCTGGGCTGGGCCAGGATCGCCAGGTCCCGCTCTGGGGCC[AGCT>A]GCTGCTTTTCCTGGTCTTTGTGATCGTCCTCTTCTTCATTTACCACTTCATGCAGGCTGA-3'

ClinVar aggregate classification (germline): Uncertain significance (1 of 4 stars; one submission).

Conditions:
X-linked Emery-Dreifuss muscular dystrophy. Also called: Muscular dystrophy, tardive Emery-Dreifuss type, with contractures. Identifiers: Orphanet 261, Orphanet 98863, MedGen C0751337, MONDO:0010680.

Submission:

Labcorp Genetics (formerly Invitae), Labcorp
Classification: Uncertain significance for X-linked Emery-Dreifuss muscular dystrophy. Last evaluated: 2019-09-11. Review status: criteria provided, single submitter. Criteria: Invitae Variant Classification Sherloc (09022015). Collection method: clinical testing. Allele origin: germline.
Comment: Experimental studies and prediction algorithms are not available or were not evaluated for this variant, and the functional significance of this variant is currently unknown. In summary, the available evidence is currently insufficient to determine the role of this variant in disease. Therefore, it has been classified as a Variant of Uncertain Significance. This variant has not been reported in the literature in individuals with EMD-related conditions. This variant, c.690_692del, results in the deletion of 1 amino acid(s) of the EMD protein (p.Leu231del), but otherwise preserves the integrity of the reading frame. This variant is not present in population databases (ExAC no frequency).